The following is an entry in ClinVar:

ClinVar aggregate classification (germline): Uncertain significance (1 of 4 stars; one submission).

gnomAD v4.1: 3 of 1,592,390 alleles (0.00019%); highest among the groups gnomAD compares: Admixed American, 0.0051%; no homozygotes.

Submission:

Labcorp Genetics (formerly Invitae), Labcorp
Classification: Uncertain significance. Last evaluated: 2022-03-10. Review status: criteria provided, single submitter. Criteria: Invitae Variant Classification Sherloc (09022015). Collection method: clinical testing. Allele origin: germline.
Comment: In summary, the available evidence is currently insufficient to determine the role of this variant in disease. Therefore, it has been classified as a Variant of Uncertain Significance. This sequence change replaces proline, which is neutral and non-polar, with alanine, which is neutral and non-polar, at codon 521 of the TRRAP protein (p.Pro521Ala). The frequency data for this variant in the population databases is considered unreliable, as metrics indicate poor data quality at this position in the gnomAD database. This variant has not been reported in the literature in individuals affected with TRRAP-related conditions. Algorithms developed to predict the effect of missense changes on protein structure and function (SIFT, PolyPhen-2, Align-GVGD) all suggest that this variant is likely to be tolerated.

NM_001375524.1(TRRAP):c.1561C>G (p.Pro521Ala)

Gene: TRRAP (transformation/transcription domain associated protein; plus strand). Cytogenetic location: 7q22.1.
Variant type: single nucleotide variant.
Coding change: c.1561C>G on transcript NM_001375524.1 (MANE Select); coding-DNA position 1561, C replaced by G.
Protein change: p.Pro521Ala; replaces proline 521 with alanine.
Molecular consequence: missense variant.
Genome position (GRCh38, 1-based): chr7:98,910,266, C>G. VCF-style: chr7-98910266-C-G. GRCh37 (hg19) VCF-style: chr7-98507889-C-G.
Other names: c.1561C>G, p.Pro521Ala (NM_001244580.2, NM_003496.4); short protein forms P521A.
Identifiers: ClinVar variation 2077110 (VCV002077110.4), dbSNP rs1554408501, ClinGen allele CA368286481.
Genomic context (GRCh38, chr7:98,910,266, plus strand): 5'-GCCCCTGTCCCTGCCCCACCTCCACCCCCGCCCCCACCCCCACCTGCCACCCCTGTGACC[C>G]CGGCCCCCGTGCCTCCCTTCGAGAAGCAAGGAGAAAAGGACAAGGAAGACAAGCAGACAT-3'
Protein context (NP_001362453.1, residues 511-531): PPPPPATPVT[Pro521Ala]APVPPFEKQG